The following is an entry in ClinVar:

NM_000179.3(MSH6):c.457+9del

Gene: MSH6 (mutS homolog 6; plus strand). Cytogenetic location: 2p16.3.
Variant type: Deletion.
Coding change: c.457+9del on transcript NM_000179.3 (MANE Select); 9 bases into the intron after coding-DNA position 457, one base deleted (C; older notation c.457+9delC).
Molecular consequence: intron variant.
Genome position (GRCh38, 1-based): chr2:47,791,132, C deleted. VCF-style (leftmost placement, unchanged base first): chr2-47791131-TC-T. GRCh37 (hg19) VCF-style: chr2-48018270-TC-T.
Other names: c.-280+9del (NM_001281493.2); c.238-7479del (NM_001281492.2); c.-446+9del (NM_001281494.2); c.457+9delC (NM_000179.2).
Identifiers: ClinVar variation 525886 (VCV000525886.10), dbSNP rs1553410391, ClinGen allele CA658795743.

ClinVar aggregate classification (germline): Likely benign. Review status: criteria provided, multiple submitters, no conflicts (2 of 4 stars). 2 submissions from 2 submitters: Likely benign (2). Last evaluated 2025-06-27.

Conditions:
Hereditary nonpolyposis colorectal neoplasms. Identifiers: MedGen C0009405, MeSH D003123.
Lynch syndrome 5 (LYNCH5). Also called: Colorectal cancer, hereditary nonpolyposis, type 5; Hereditary non-polyposis colorectal cancer, type 5. Identifiers: Orphanet 144, MedGen C1833477, MONDO:0013710, OMIM 614350. Disease mechanism: loss of function.

Submissions (2):

Labcorp Genetics (formerly Invitae), Labcorp
Classification: Likely benign for Hereditary nonpolyposis colorectal neoplasms. Last evaluated: 2025-06-27. Review status: criteria provided, single submitter. Criteria: Invitae Variant Classification Sherloc (09022015). Collection method: clinical testing. Allele origin: germline.

Myriad Genetics, Inc.
Classification: Likely benign for Lynch syndrome 5. Last evaluated: 2024-12-18. Review status: criteria provided, single submitter. Criteria: Myriad Autosomal Dominant, Autosomal Recessive and X-Linked Classification Criteria (2023). Collection method: clinical testing. Allele origin: unknown.
Comment: This variant is considered likely benign. This variant is intronic and is not expected to impact mRNA splicing.